The following is an entry in ClinVar:

ClinVar aggregate classification (germline): Likely benign (0 of 4 stars; one submission).

Conditions:
GNAS-related disorder. Identifiers: MedGen CN380105.

Allele frequency attached by ClinVar (database versions not stated): ESP Exome Variant Server 0.00008; gnomAD 0.00006; TOPMed 0.00007; ExAC 0.00005; gnomAD exomes 0.00001.
gnomAD v4.1: 29 of 1,594,736 alleles (0.0018%); highest among the groups gnomAD compares: East Asian, 0.0046%; no homozygotes.

Submission:

PreventionGenetics, part of Exact Sciences
Classification: Likely benign for GNAS-related condition. Last evaluated: 2024-06-06. Review status: no assertion criteria provided. Collection method: clinical testing. Allele origin: germline.
Comment: This variant is classified as likely benign based on ACMG/AMP sequence variant interpretation guidelines (Richards et al. 2015 PMID: 25741868, with internal and published modifications).

NM_080425.4(GNAS):c.598G>A (p.Glu200Lys)

Gene: GNAS (GNAS complex locus; plus strand). Cytogenetic location: 20q13.32.
Variant type: single nucleotide variant.
Coding change: c.598G>A on transcript NM_080425.4 (MANE Plus Clinical); coding-DNA position 598, G replaced by A.
Protein change: p.Glu200Lys; replaces glutamic acid 200 with lysine.
Molecular consequence: missense variant. On other transcripts: intron variant (3), synonymous variant (2).
Genome position (GRCh38, 1-based): chr20:58,853,863, G>A. VCF-style: chr20-58853863-G-A. GRCh37 (hg19) VCF-style: chr20-57428918-G-A.
Other names: c.*42+12977G>A (NM_016592.5); c.43+12977G>A (NM_001410912.1); c.-39+11988G>A (NM_001309861.2); c.411G>A, p.Pro137= (NM_001077490.3, NM_001309883.1); c.598G>A, p.Glu200Lys (NM_001410913.1); short protein forms E200K.
Identifiers: ClinVar variation 2635070 (VCV002635070.2), dbSNP rs368482746, ClinGen allele CA9926502.
Genomic context (GRCh38, chr20:58,853,863, plus strand): 5'-CAGGTCCCAGACCTTGCTCCAGGAGGCCCAGGTGCTGCAGGGGTCCCCGGAGCTCCTCCC[G>A]AGGAGCCCCAAGCCCTCAGGCCTGCAAAGGCTGGCTCCAGAGGAGGCTACAGCCCTCCCC-3'
Protein context (NP_536350.2, residues 190-210): GAAGVPGAPP[Glu200Lys]EPQALRPAKA